The following is an entry in ClinVar:

NM_172250.3(MMAA):c.545_546dup (p.Ser183fs)

Gene: MMAA (metabolism of cobalamin associated A; plus strand). Cytogenetic location: 4q31.21.
Variant type: Duplication.
Coding change: c.545_546dup on transcript NM_172250.3 (MANE Select); coding-DNA positions 545 to 546, 2 bases duplicated (CT; older notation c.545_546dupCT).
Protein change: p.Ser183fs; shifts the reading frame from serine 183.
Molecular consequence: frameshift variant.
Genome position (GRCh38, 1-based): chr4:145,642,468-145,642,469, CT duplicated; duplicating any 2 consecutive bases within chr4:145,642,467-145,642,469 gives the same sequence; the c. name uses the placement nearest the transcript's 3' end. VCF-style (leftmost placement, unchanged base first): chr4-145642466-T-TTC. GRCh37 (hg19) VCF-style: chr4-146563618-T-TTC.
Other names: c.545_546dup, p.Ser183fs (NM_001375644.1); short protein forms S183fs.
Identifiers: ClinVar variation 4816956 (VCV004816956.2).

ClinVar aggregate classification (germline): Pathogenic/Likely pathogenic. Review status: criteria provided, multiple submitters, no conflicts (2 of 4 stars). 2 submissions from 2 submitters: Pathogenic (1); Likely pathogenic (1). Last evaluated 2025-10-20.

Conditions:
Methylmalonic aciduria, cblA type (MACA). Also called: Methylmalonic aciduria, vitamin B12-responsive; Vitamin B12-responsive methylmalonic acidemia type cblA; Methylmalonic aciduria, vitamin b12-responsive, due to defect in synthesis of adenosylcobalamin, cbla complementation type; MMA cbl A type; Methylmalonic acidemia cblA type. Identifiers: Orphanet 28, Orphanet 79310, MedGen C1855109, MONDO:0009613, OMIM 251100.

Submissions (2):

Natera, Inc.
Classification: Likely pathogenic for Methylmalonic aciduria cblA type. Last evaluated: 2025-10-20. Review status: criteria provided, single submitter. Criteria: Natera Variant Classification Schema (03/2026). Collection method: clinical testing. Allele origin: germline.
Comment: The c.545_546dup variant in MMAA is a frameshift variant predicted to shift the reading frame beginning at codon 183 and leads to a stop codon 10 codons downstream. This variant is expected to result in nonsense mediated decay, truncation, or a dysfunctional protein product. This variant is rare in the general population with a frequency below the threshold expected for the associated phenotype(s). Given the available evidence, this variant is classified as Likely Pathogenic.

Myriad Genetics, Inc.
Classification: Pathogenic for Methylmalonic aciduria, cblA type. Last evaluated: 2023-09-17. Review status: criteria provided, single submitter. Criteria: Myriad Autosomal Dominant, Autosomal Recessive and X-Linked Classification Criteria (2023). Collection method: clinical testing. Allele origin: unknown.
Comment: NM_172250.2(MMAA):c.545_546dupCT(S183Lfs*10) is expected to be pathogenic in the context of methylmalonic acidemia, cblA type. This variant is predicted to lead to an abnormal or absent protein product due to the creation of a premature termination codon in MMAA, a gene where loss-of-function variants are known to be pathogenic. Please note: this variant was assessed in the context of healthy population screening.